The following is an entry in ClinVar:

ClinVar aggregate classification (germline): Pathogenic (1 of 4 stars; one submission).

Conditions:
Duchenne muscular dystrophy (DMD). Also called: MUSCULAR DYSTROPHY, PSEUDOHYPERTROPHIC PROGRESSIVE, DUCHENNE TYPE; Duchenne Muscular Dystrophy (DMD). Identifiers: Orphanet 98896, MedGen C0013264, MONDO:0010679, OMIM 310200.

Submission:

Labcorp Genetics (formerly Invitae), Labcorp
Classification: Pathogenic for Duchenne muscular dystrophy. Last evaluated: 2022-01-21. Review status: criteria provided, single submitter. Criteria: Invitae Variant Classification Sherloc (09022015). Collection method: clinical testing. Allele origin: germline.
Comment: For these reasons, this variant has been classified as Pathogenic. This variant has not been reported in the literature in individuals affected with DMD-related conditions. This variant is not present in population databases (gnomAD no frequency). This sequence change creates a premature translational stop signal (p.Glu2287*) in the DMD gene. It is expected to result in an absent or disrupted protein product. Loss-of-function variants in DMD are known to be pathogenic (PMID: 16770791, 25007885).

Literature cited by the submitters: PubMed 16770791; PubMed 25007885.

NM_004006.3(DMD):c.6859G>T (p.Glu2287Ter)

Gene: DMD (dystrophin; minus strand). Cytogenetic location: Xp21.1.
Variant type: single nucleotide variant.
Coding change: c.6859G>T on transcript NM_004006.3 (MANE Select); coding-DNA position 6859, G replaced by T.
Protein change: p.Glu2287Ter; replaces glutamic acid 2287 with a stop codon.
Molecular consequence: nonsense. On other transcripts: 5 prime UTR variant (5).
Genome position (GRCh38, 1-based): chrX:31,929,649, C>A on the plus strand (G>T on the coding strand, the complement: DMD is on the minus strand). VCF-style: chrX-31929649-C-A. GRCh37 (hg19) VCF-style: chrX-31947766-C-A.
Other names: c.6835G>T, p.Glu2279Ter (NM_000109.4); c.6847G>T, p.Glu2283Ter (NM_004009.3); c.6490G>T, p.Glu2164Ter (NM_004010.3); c.2836G>T, p.Glu946Ter (NM_004011.4); c.2827G>T, p.Glu943Ter (NM_004012.4); c.-522G>T (NM_004013.3, NM_004020.4, NM_004021.3 and 2 more transcripts); short protein forms E2283*, E946*, E2279*, E2287*, E2164*, E943*.
Identifiers: ClinVar variation 2088495 (VCV002088495.4), dbSNP rs2533417349, ClinGen allele CA412657872.
Genomic context (GRCh38, chrX:31,929,649, plus strand): 5'-GTCTAACCTTTATCCACTGGAGATTTGTCTGCTTGAGCTTATTTTCAAGTTTATCTTGCT[C>A]TTCTGGGCTTATGGGAGCACTTACAAGCACGGGTCCTCCAGTTTCATTTAATTGTTTGAG-3'